The following is an entry in ClinVar:

NM_015338.6(ASXL1):c.4418A>G (p.Gln1473Arg)

Gene: ASXL1 (ASXL transcriptional regulator 1; plus strand). Cytogenetic location: 20q11.21.
Variant type: single nucleotide variant.
Coding change: c.4418A>G on transcript NM_015338.6 (MANE Select); coding-DNA position 4418, A replaced by G.
Protein change: p.Gln1473Arg; replaces glutamine 1473 with arginine.
Molecular consequence: missense variant.
Genome position (GRCh38, 1-based): chr20:32,437,130, A>G. VCF-style: chr20-32437130-A-G. GRCh37 (hg19) VCF-style: chr20-31024933-A-G.
Other names: c.4235A>G, p.Gln1412Arg (NM_001363734.1); c.4418A>G (NM_015338.5); short protein forms Q1473R, Q1412R.
Identifiers: ClinVar variation 1405521 (VCV001405521.7), dbSNP rs767364451, ClinGen allele CA9809023.

ClinVar aggregate classification (germline): Conflicting classifications of pathogenicity. Review status: criteria provided, conflicting classifications (1 of 4 stars). 2 submissions from 2 submitters: Uncertain significance (1); Likely benign (1). Last evaluated 2025-08-31.

Conditions:
Inborn genetic diseases. Identifiers: MedGen C0950123, MeSH D030342.

Allele frequency attached by ClinVar (database versions not stated): ExAC 0.00001; gnomAD exomes 0.00001.

Submissions (2):

Labcorp Genetics (formerly Invitae), Labcorp
Classification: Uncertain significance. Last evaluated: 2025-08-31. Review status: criteria provided, single submitter. Criteria: Invitae Variant Classification Sherloc (09022015). Collection method: clinical testing. Allele origin: germline.
Comment: This sequence change replaces glutamine, which is neutral and polar, with arginine, which is basic and polar, at codon 1473 of the ASXL1 protein (p.Gln1473Arg). This variant is present in population databases (rs767364451, gnomAD 0.003%). This variant has not been reported in the literature in individuals affected with ASXL1-related conditions. ClinVar contains an entry for this variant (Variation ID: 1405521). An algorithm developed to predict the effect of missense changes on protein structure and function (PolyPhen-2) suggests that this variant is likely to be disruptive. In summary, the available evidence is currently insufficient to determine the role of this variant in disease. Therefore, it has been classified as a Variant of Uncertain Significance.

Ambry Genetics
Classification: Likely benign for Inborn genetic diseases. Last evaluated: 2024-12-08. Review status: criteria provided, single submitter. Criteria: Ambry Variant Classification Scheme 2023. Collection method: clinical testing. Allele origin: germline.